The following is an entry in ClinVar:

ClinVar aggregate classification (germline): Conflicting classifications of pathogenicity. Review status: criteria provided, conflicting classifications (1 of 4 stars). 2 submissions from 2 submitters: Likely pathogenic (1); Uncertain significance (1). Last evaluated 2026-04-07.

Conditions:
Kleefstra syndrome 1 (KLEFS1). Identifiers: Orphanet 261494, MedGen C0795833, MONDO:0027407, OMIM 610253.

Submissions (2):

Rare Disease Center, Seoul National University Hospital
Classification: Likely pathogenic for Kleefstra Syndrome 1. Last evaluated: 2026-04-07. Review status: criteria provided, single submitter. Criteria: ACMG Guidelines, 2015. Collection method: research. Allele origin: de novo. Inheritance: Autosomal dominant inheritance. Affected: yes. Observed: 1 variant allele, 1 heterozygote.
Comment: The c.2712+1866G>A variant has not been previously reported in the gnomAD database and was found to have arisen de novo. In silico splicing prediction tools strongly suggest a high likelihood of aberrant splicing, yielding delta scores of 0.80 and 0.84 using SpliceAI and Pangolin, respectively. Pathogenicity was evaluated using the 2015 ACMG/AMP guidelines (PMID: 25741868). The final classification was supported by calculating an assertion score of 6 based on the Bayesian framework proposed by Tavtigian et al., 2020 (PMID: 32720330).

Institute of Human Genetics, Clinical Exome/Genome Diagnostics Group, University Hospital Bonn
Classification: Uncertain significance for Kleefstra syndrome 1. Last evaluated: 2021-10-29. Review status: criteria provided, single submitter. Criteria: ACMG Guidelines, 2015. Collection method: clinical testing. Allele origin: de novo.

NM_024757.5(EHMT1):c.2712+1866G>A

Gene: EHMT1 (euchromatic histone lysine methyltransferase 1; plus strand). Cytogenetic location: 9q34.3.
Variant type: single nucleotide variant.
Coding change: c.2712+1866G>A on transcript NM_024757.5 (MANE Select); 1866 bases into the intron after coding-DNA position 2712, G replaced by A.
Molecular consequence: intron variant.
Genome position (GRCh38, 1-based): chr9:137,802,850, G>A. VCF-style: chr9-137802850-G-A. GRCh37 (hg19) VCF-style: chr9-140697302-G-A.
Other names: c.2691+1866G>A (NM_001354263.2).
Identifiers: ClinVar variation 3381171 (VCV003381171.3).